The following is an entry in ClinVar:

ClinVar aggregate classification (germline): Pathogenic (1 of 4 stars; one submission).

Conditions:
Diffuse cerebral and cerebellar atrophy - intractable seizures - progressive microcephaly syndrome. Also called: Microcephaly, progressive, with seizures and cerebral and cerebellar atrophy. Identifiers: Orphanet 404437, MedGen C4014239, MONDO:0014335, OMIM 615760.

Submission:

Labcorp Genetics (formerly Invitae), Labcorp
Classification: Pathogenic for Diffuse cerebral and cerebellar atrophy - intractable seizures - progressive microcephaly syndrome. Last evaluated: 2023-11-20. Review status: criteria provided, single submitter. Criteria: Invitae Variant Classification Sherloc (09022015). Collection method: clinical testing. Allele origin: germline.
Comment: This sequence change creates a premature translational stop signal (p.Ser6Phefs*7) in the QARS gene. It is expected to result in an absent or disrupted protein product. Loss-of-function variants in QARS are known to be pathogenic (PMID: 24656866, 25471517). This variant is not present in population databases (gnomAD no frequency). This variant has not been reported in the literature in individuals affected with QARS-related conditions. For these reasons, this variant has been classified as Pathogenic.

Literature cited by the submitters: PubMed 24656866; PubMed 25471517.

NM_005051.3(QARS1):c.16dup (p.Ser6fs)

Genes: QARS1 (glutaminyl-tRNA synthetase 1; minus strand), LOC129936736 (ATAC-STARR-seq lymphoblastoid active region 19853; plus strand). Cytogenetic location: 3p21.31.
Variant type: Duplication.
Coding change: c.16dup on transcript NM_005051.3 (MANE Select); coding-DNA position 16, one base duplicated (T; older notation c.16dupT).
Protein change: p.Ser6fs; shifts the reading frame from serine 6.
Molecular consequence: frameshift variant. On other transcripts: non-coding transcript variant (1).
Genome position (GRCh38, 1-based): chr3:49,104,718, A duplicated on the plus strand (T on the coding strand, the reverse complement: QARS1 is on the minus strand). VCF-style (leftmost placement, unchanged base first): chr3-49104717-G-GA. GRCh37 (hg19) VCF-style: chr3-49142150-G-GA.
Other names: c.16dup, p.Ser6fs (NM_001272073.2); short protein forms S6fs.
Identifiers: ClinVar variation 2697769 (VCV002697769.3), dbSNP rs2471867142, ClinGen allele CA2697550953.